The following is an entry in ClinVar:

NM_000222.3(KIT):c.763C>G (p.Leu255Val)

Gene: KIT (KIT proto-oncogene, receptor tyrosine kinase; plus strand). Cytogenetic location: 4q12.
Variant type: single nucleotide variant.
Coding change: c.763C>G on transcript NM_000222.3 (MANE Select); coding-DNA position 763, C replaced by G.
Protein change: p.Leu255Val; replaces leucine 255 with valine.
Molecular consequence: missense variant.
Genome position (GRCh38, 1-based): chr4:54,703,730, C>G. VCF-style: chr4-54703730-C-G. GRCh37 (hg19) VCF-style: chr4-55569896-C-G.
Other names: c.763C>G, p.Leu255Val (NM_001093772.2, NM_001385285.1, NM_001385286.1); c.766C>G, p.Leu256Val (NM_001385284.1, NM_001385288.1, NM_001385290.1 and 1 more transcripts); short protein forms L255V, L256V.
Identifiers: ClinVar variation 5023316 (VCV005023316.1).

ClinVar aggregate classification (germline): Uncertain significance (1 of 4 stars; one submission).

Conditions:
Hereditary cancer-predisposing syndrome. Also called: Neoplastic Syndromes, Hereditary; Tumor predisposition; Hereditary neoplastic syndrome; Hereditary Cancer Syndrome. Identifiers: Orphanet 140162, MedGen C0027672, MeSH D009386, MONDO:0015356.

Submission:

Ambry Genetics
Classification: Uncertain significance for Hereditary cancer-predisposing syndrome. Last evaluated: 2026-07-07. Review status: criteria provided, single submitter. Criteria: Ambry Variant Classification Scheme 2023. Collection method: clinical testing. Allele origin: germline.
Comment: The p.L255V variant (also known as c.763C>G), located in coding exon 5 of the KIT gene, results from a C to G substitution at nucleotide position 763. The leucine at codon 255 is replaced by valine, an amino acid with highly similar properties. This amino acid position is conserved. In addition, this alteration is predicted to be tolerated by in silico analysis. Based on the available evidence, the clinical significance of this variant remains unclear.